The following is an entry in ClinVar:

ClinVar aggregate classification (germline): Likely benign (1 of 4 stars; one submission).

Submission:

Women's Health and Genetics/Laboratory Corporation of America, LabCorp
Classification: Likely benign. Last evaluated: 2026-01-19. Review status: criteria provided, single submitter. Criteria: LabCorp Variant Classification Summary - May 2015. Collection method: clinical testing. Allele origin: germline.
Comment: Variant summary: PLOD1 c.1585-17C>T alters a nucleotide located at a position not widely known to affect splicing. Consensus agreement among computation tools predict no significant impact on normal splicing. However, these predictions have yet to be confirmed by functional studies. The frequency data for this variant in gnomAD is considered unreliable, as metrics indicate poor data quality at this position. To our knowledge, no occurrence of c.1585-17C>T in individuals affected with PLOD1-related conditions and no experimental evidence demonstrating its impact on protein function have been reported. No submitters have cited clinical-significance assessments for this variant to ClinVar. Based on the evidence outlined above, the variant was classified as likely benign.

NM_000302.4(PLOD1):c.1585-17C>T

Gene: PLOD1 (procollagen-lysine,2-oxoglutarate 5-dioxygenase 1; plus strand). Cytogenetic location: 1p36.22.
Variant type: single nucleotide variant.
Coding change: c.1585-17C>T on transcript NM_000302.4 (MANE Select); 17 bases into the intron before coding-DNA position 1585, C replaced by T.
Molecular consequence: intron variant.
Genome position (GRCh38, 1-based): chr1:11,966,234, C>T. VCF-style: chr1-11966234-C-T. GRCh37 (hg19) VCF-style: chr1-12026291-C-T.
Other names: c.1726-17C>T (NM_001316320.2).
Identifiers: ClinVar variation 4689294 (VCV004689294.1).